The following is an entry in ClinVar:

NM_000083.3(CLCN1):c.1179T>A (p.Tyr393Ter)

Gene: CLCN1 (chloride voltage-gated channel 1; plus strand). Cytogenetic location: 7q34.
Variant type: single nucleotide variant.
Coding change: c.1179T>A on transcript NM_000083.3 (MANE Select); coding-DNA position 1179, T replaced by A.
Protein change: p.Tyr393Ter; replaces tyrosine 393 with a stop codon.
Molecular consequence: nonsense. On other transcripts: non-coding transcript variant (1).
Genome position (GRCh38, 1-based): chr7:143,332,431, T>A. VCF-style: chr7-143332431-T-A. GRCh37 (hg19) VCF-style: chr7-143029524-T-A.
Other names: short protein forms Y393*.
Identifiers: ClinVar variation 489334 (VCV000489334.10), dbSNP rs1554436799, ClinGen allele CA369643163.

ClinVar aggregate classification (germline): Pathogenic/Likely pathogenic. Review status: criteria provided, multiple submitters, no conflicts (2 of 4 stars). 2 submissions from 2 submitters: Pathogenic (1); Likely pathogenic (1). Last evaluated 2025-09-26.

Conditions:
Congenital myotonia, autosomal recessive form. Also called: myotonia congenita, autosomal recessive; BECKER DISEASE; Becker Generalized Myotonia. Identifiers: Orphanet 614, MedGen C0751360, MONDO:0009715, OMIM 255700.
Congenital myotonia, autosomal dominant form (THD). Also called: Myotonia congenita autosomal dominant; THOMSEN DISEASE. Identifiers: Orphanet 614, MedGen C2936781, MONDO:0008055, OMIM 160800.

Allele frequency attached by ClinVar (database versions not stated): TOPMed below 0.00001.

Submissions (2):

Labcorp Genetics (formerly Invitae), Labcorp
Classification: Pathogenic for Congenital myotonia, autosomal recessive form; Congenital myotonia, autosomal dominant form. Last evaluated: 2025-09-26. Review status: criteria provided, single submitter. Criteria: Invitae Variant Classification Sherloc (09022015). Collection method: clinical testing. Allele origin: germline.
Comment: This sequence change creates a premature translational stop signal (p.Tyr393*) in the CLCN1 gene. It is expected to result in an absent or disrupted protein product. Loss-of-function variants in CLCN1 are known to be pathogenic (PMID: 17932099, 22094069, 23739125). This variant is not present in population databases (gnomAD no frequency). This variant has not been reported in the literature in individuals affected with CLCN1-related conditions. ClinVar contains an entry for this variant (Variation ID: 489334). Algorithms developed to predict the effect of sequence changes on RNA splicing suggest that this variant may disrupt the consensus splice site. For these reasons, this variant has been classified as Pathogenic.

GeneDx
Classification: Likely pathogenic. Last evaluated: 2018-01-04. Review status: criteria provided, single submitter. Criteria: GeneDx Variant Classification (06012015). Collection method: clinical testing. Allele origin: germline. Affected: yes.
Comment: The Y393X variant in the CLCN1 gene has not been reported previously as a pathogenic variant nor as a benign variant, to our knowledge. This variant is predicted to cause loss of normal protein function either through protein truncation or nonsense-mediated mRNA decay. The Y393X variant is not observed in large population cohorts (Lek et al., 2016). We interpret Y393X as a likely pathogenic variant.

Literature cited by the submitters: PubMed 17932099 (cited by Labcorp Genetics (formerly Invitae), Labcorp); PubMed 22094069 (cited by Labcorp Genetics (formerly Invitae), Labcorp); PubMed 23739125 (cited by Labcorp Genetics (formerly Invitae), Labcorp).